The following is an entry in ClinVar:

ClinVar aggregate classification (germline): Conflicting classifications of pathogenicity. Review status: criteria provided, conflicting classifications (1 of 4 stars). 2 submissions from 2 submitters: Likely pathogenic (1); Uncertain significance (1). Last evaluated 2023-05-22.

Conditions:
Inborn genetic diseases. Identifiers: MedGen C0950123, MeSH D030342.

Allele frequency attached by ClinVar (database versions not stated): gnomAD exomes 0.00001 and 0.00002; TOPMed 0.00001; ExAC 0.00006.

Submissions (2):

Labcorp Genetics (formerly Invitae), Labcorp
Classification: Uncertain significance. Last evaluated: 2023-05-22. Review status: criteria provided, single submitter. Criteria: Invitae Variant Classification Sherloc (09022015). Collection method: clinical testing. Allele origin: germline.
Comment: This variant is present in population databases (rs781923856, gnomAD 0.007%). This sequence change replaces alanine, which is neutral and non-polar, with threonine, which is neutral and polar, at codon 547 of the CACNA1F protein (p.Ala547Thr). This variant has not been reported in the literature in individuals affected with CACNA1F-related conditions. In summary, the available evidence is currently insufficient to determine the role of this variant in disease. Therefore, it has been classified as a Variant of Uncertain Significance. Advanced modeling of protein sequence and biophysical properties (such as structural, functional, and spatial information, amino acid conservation, physicochemical variation, residue mobility, and thermodynamic stability) performed at Invitae indicates that this missense variant is not expected to disrupt CACNA1F protein function. ClinVar contains an entry for this variant (Variation ID: 520685).

Ambry Genetics
Classification: Likely pathogenic for Inborn genetic diseases. Last evaluated: 2015-05-20. Review status: criteria provided, single submitter. Criteria: Ambry exome assertion method (8-5-2015). Collection method: clinical testing. Allele origin: germline. Affected: yes. Observed: 1 variant allele.

NM_001256789.3(CACNA1F):c.1606G>A (p.Ala536Thr)

Gene: CACNA1F (calcium voltage-gated channel subunit alpha1 F; minus strand). Cytogenetic location: Xp11.23.
Variant type: single nucleotide variant.
Coding change: c.1606G>A on transcript NM_001256789.3 (MANE Select); coding-DNA position 1606, G replaced by A.
Protein change: p.Ala536Thr; replaces alanine 536 with threonine.
Molecular consequence: missense variant.
Genome position (GRCh38, 1-based): chrX:49,225,954, C>T on the plus strand (G>A on the coding strand, the complement: CACNA1F is on the minus strand). VCF-style: chrX-49225954-C-T. GRCh37 (hg19) VCF-style: chrX-49082416-C-T.
Other names: c.1444G>A, p.Ala482Thr (NM_001256790.3); c.1639G>A, p.Ala547Thr (NM_005183.4); short protein forms A547T, A482T, A536T.
Identifiers: ClinVar variation 520685 (VCV000520685.9), dbSNP rs781923856, ClinGen allele CA10410818.